The following is an entry in ClinVar:

NM_021167.5(GATAD1):c.311_312delinsAA (p.Pro104Gln)

Gene: GATAD1 (GATA zinc finger domain containing 1; plus strand). Cytogenetic location: 7q21.2.
Variant type: Indel.
Coding change: c.311_312delinsAA on transcript NM_021167.5 (MANE Select); coding-DNA positions 311 to 312, CG replaced by AA.
Protein change: p.Pro104Gln; replaces proline 104 with glutamine.
Molecular consequence: missense variant. On other transcripts: non-coding transcript variant (1).
Genome position (GRCh38, 1-based): chr7:92,448,813-92,448,814, CG replaced by AA. VCF-style: chr7-92448813-CG-AA. GRCh37 (hg19) VCF-style: chr7-92078127-CG-AA.
Other names: short protein forms P104Q.
Identifiers: ClinVar variation 847058 (VCV000847058.9), dbSNP rs1789291007, ClinGen allele CA916082937.

ClinVar aggregate classification (germline): Uncertain significance (1 of 4 stars; one submission).

Conditions:
Dilated cardiomyopathy 2B. Identifiers: Orphanet 154, MedGen C3553409, MONDO:0013848, OMIM 614672.

Submission:

Labcorp Genetics (formerly Invitae), Labcorp
Classification: Uncertain significance for Dilated cardiomyopathy 2B. Last evaluated: 2022-03-18. Review status: criteria provided, single submitter. Criteria: Invitae Variant Classification Sherloc (09022015). Collection method: clinical testing. Allele origin: germline.
Comment: This sequence change replaces proline, which is neutral and non-polar, with glutamine, which is neutral and polar, at codon 104 of the GATAD1 protein (p.Pro104Gln). Information on the frequency of this variant in the gnomAD database is not available, as this variant may be reported differently in the database. This variant has not been reported in the literature in individuals affected with GATAD1-related conditions. ClinVar contains an entry for this variant (Variation ID: 847058). Algorithms developed to predict the effect of missense changes on protein structure and function are either unavailable or do not agree on the potential impact of this missense change (SIFT: "Not Available"; PolyPhen-2: "Benign"; Align-GVGD: "Not Available"). Algorithms developed to predict the effect of sequence changes on RNA splicing suggest that this variant may create or strengthen a splice site. In summary, the available evidence is currently insufficient to determine the role of this variant in disease. Therefore, it has been classified as a Variant of Uncertain Significance.